The following is an entry in ClinVar:

NM_001374259.2(IL12RB2):c.643A>G (p.Thr215Ala)

Gene: IL12RB2 (interleukin 12 receptor subunit beta 2; plus strand). Cytogenetic location: 1p31.3.
Variant type: single nucleotide variant.
Coding change: c.643A>G on transcript NM_001374259.2 (MANE Select); coding-DNA position 643, A replaced by G.
Protein change: p.Thr215Ala; replaces threonine 215 with alanine.
Molecular consequence: missense variant. On other transcripts: non-coding transcript variant (2).
Genome position (GRCh38, 1-based): chr1:67,328,363, A>G. VCF-style: chr1-67328363-A-G. GRCh37 (hg19) VCF-style: chr1-67794046-A-G.
Other names: c.643A>G, p.Thr215Ala (NM_001258214.1, NM_001258215.1, NM_001258216.1 and 2 more transcripts); short protein forms T215A.
Identifiers: ClinVar variation 3685314 (VCV003685314.2).
Genomic context (GRCh38, chr1:67,328,363, plus strand): 5'-AATTTCACAGCCAAGGTTACTGCTGTCAATAGTCTTGGAAGCTCCTCTTCACTTCCATCC[A>G]CATTCACATTCTTGGACATAGGTACATTTTATTTCACTGTTTCATTGGTACTTTATAATT-3'
Protein context (NP_001361188.1, residues 205-225): SLGSSSSLPS[Thr215Ala]FTFLDIVRPL

ClinVar aggregate classification (germline): Uncertain significance (1 of 4 stars; one submission).

gnomAD v4.1: 3 of 1,614,160 alleles (0.00019%); highest among the groups gnomAD compares: Non-Finnish European, 0.00025%; no homozygotes.

Submission:

Labcorp Genetics (formerly Invitae), Labcorp
Classification: Uncertain significance. Last evaluated: 2025-01-14. Review status: criteria provided, single submitter. Criteria: Invitae Variant Classification Sherloc (09022015). Collection method: clinical testing. Allele origin: germline.
Comment: This sequence change replaces threonine, which is neutral and polar, with alanine, which is neutral and non-polar, at codon 215 of the IL12RB2 protein (p.Thr215Ala). This variant is present in population databases (rs199823545, gnomAD 0.0009%). This variant has not been reported in the literature in individuals affected with IL12RB2-related conditions. An algorithm developed to predict the effect of missense changes on protein structure and function (PolyPhen-2) suggests that this variant is likely to be tolerated. In summary, the available evidence is currently insufficient to determine the role of this variant in disease. Therefore, it has been classified as a Variant of Uncertain Significance.